The following is an entry in ClinVar:

NM_000925.4(PDHB):c.395A>G (p.Tyr132Cys)

Gene: PDHB (pyruvate dehydrogenase E1 subunit beta; minus strand). Cytogenetic location: 3p14.3.
Variant type: single nucleotide variant.
Coding change: c.395A>G on transcript NM_000925.4 (MANE Select); coding-DNA position 395, A replaced by G.
Protein change: p.Tyr132Cys; replaces tyrosine 132 with cysteine.
Molecular consequence: missense variant. On other transcripts: non-coding transcript variant (1).
Genome position (GRCh38, 1-based): chr3:58,430,851, T>C on the plus strand (A>G on the coding strand, the complement: PDHB is on the minus strand). VCF-style: chr3-58430851-T-C. GRCh37 (hg19) VCF-style: chr3-58416578-T-C.
Other names: c.395A>G, p.Tyr132Cys (NM_001173468.2); c.341A>G, p.Tyr114Cys (NM_001315536.2); short protein forms Y132C, Y114C.
Identifiers: ClinVar variation 13188 (VCV000013188.4), dbSNP rs28935769, ClinGen allele CA122948.

ClinVar aggregate classification (germline): Likely pathogenic. Review status: criteria provided, single submitter (1 of 4 stars). 2 submissions from 2 submitters: Likely pathogenic (1). 1 of the submissions does not count toward it. Last evaluated 2024-08-19.

Conditions:
Pyruvate dehydrogenase E1-beta deficiency (PDHBD). Identifiers: Orphanet 255138, Orphanet 765, MedGen C3279841, MONDO:0013580, OMIM 614111.

Allele frequency attached by ClinVar (database versions not stated): gnomAD exomes below 0.00001.

Submissions (2):

Women's Health and Genetics/Laboratory Corporation of America, LabCorp
Classification: Likely pathogenic for Pyruvate dehydrogenase E1-beta deficiency. Last evaluated: 2024-08-19. Review status: criteria provided, single submitter. Criteria: LabCorp Variant Classification Summary - May 2015. Collection method: clinical testing. Allele origin: germline.
Comment: Variant summary: PDHB c.395A>G (p.Tyr132Cys) results in a non-conservative amino acid change located in the Transketolase-like, pyrimidine-binding domain (IPR005475) of the encoded protein sequence. Five of five in-silico tools predict a damaging effect of the variant on protein function. The variant was absent in 251494 control chromosomes. c.395A>G has been reported in the literature in individuals affected with Pyruvate Dehydrogenase E1-Beta Deficiency (examples:Brown_2004,Okajima_2008). These data indicate that the variant is likely to be associated with disease . At least one publication reports experimental evidence evaluating an impact on protein function. The most pronounced variant effect results in 16% of normal activity (Okajima_2008). The following publications have been ascertained in the context of this evaluation (PMID: 15138885, 18164639). ClinVar contains an entry for this variant (Variation ID: 13188). Based on the evidence outlined above, the variant was classified as likely pathogenic.

OMIM
Classification: Pathogenic for PYRUVATE DEHYDROGENASE E1-BETA DEFICIENCY. Last evaluated: 2004-07-01. Review status: no assertion criteria provided. Collection method: literature only. Allele origin: germline. Not counted in ClinVar's aggregate classification.

Literature cited by the submitters: PubMed 18164639 (cited by Women's Health and Genetics/Laboratory Corporation of America, LabCorp and OMIM); PubMed 15138885 (cited by Women's Health and Genetics/Laboratory Corporation of America, LabCorp and OMIM).